The following is an entry in ClinVar:

NM_002474.3(MYH11):c.4579-140T>C

Genes: MYH11 (myosin heavy chain 11; minus strand), NDE1 (nudE neurodevelopment protein 1; plus strand). Cytogenetic location: 16p13.11.
Variant type: single nucleotide variant.
Coding change: c.4579-140T>C on transcript NM_002474.3 (MANE Select); 140 bases into the intron before coding-DNA position 4579, T replaced by C.
Molecular consequence: intron variant.
Genome position (GRCh38, 1-based): chr16:15,721,191, A>G on the plus strand (T>C on the coding strand, the complement: MYH11 is on the minus strand). VCF-style: chr16-15721191-A-G. GRCh37 (hg19) VCF-style: chr16-15815048-A-G.
Other names: c.948-3000A>G (NM_001143979.2, NM_017668.3); c.4579-140T>C (NM_022844.3); c.4600-140T>C (NM_001040114.2, NM_001040113.2).
Identifiers: ClinVar variation 676575 (VCV000676575.2), dbSNP rs113462408, ClinGen allele CA278602180.

ClinVar aggregate classification (germline): Likely benign. Review status: criteria provided, multiple submitters, no conflicts (2 of 4 stars). 2 submissions from 2 submitters: Likely benign (2). Last evaluated 2018-06-14.

Allele frequency attached by ClinVar (database versions not stated): gnomAD exomes 0.00109; gnomAD 0.01028 and 0.01096; 1000 Genomes Project 0.01198; 1000 Genomes Project 30x 0.01218; TOPMed 0.01240.
gnomAD v4.1: 2,570 of 1,026,844 alleles (0.25%); highest among the groups gnomAD compares: African/African-American, 3.5%; 52 homozygotes.

Submissions (2):

GeneDx
Classification: Likely benign. Last evaluated: 2018-06-14. Review status: criteria provided, single submitter. Criteria: GeneDx Variant Classification (06012015). Collection method: clinical testing. Allele origin: germline. Affected: yes.
Comment: This variant is considered likely benign or benign based on one or more of the following criteria: it is a conservative change, it occurs at a poorly conserved position in the protein, it is predicted to be benign by multiple in silico algorithms, and/or has population frequency not consistent with disease.

Breakthrough Genomics
Classification: Likely benign. Review status: criteria provided, single submitter. Criteria: ACMG Guidelines, 2015. Collection method: not provided. Allele origin: germline. Inheritance: Autosomal recessive inheritance. Affected: yes.